The following is an entry in ClinVar:

ClinVar aggregate classification (germline): Uncertain significance (1 of 4 stars; one submission).

Conditions:
Hereditary spastic paraplegia 54. Also called: Spastic paraplegia 54, autosomal recessive. Identifiers: Orphanet 320380, MedGen C3539495, MONDO:0014018, OMIM 615033.

Allele frequency attached by ClinVar (database versions not stated): TOPMed 0.00001.
gnomAD v4.1: 13 of 1,611,942 alleles (0.00081%); highest among the groups gnomAD compares: African/African-American, 0.004%; no homozygotes.

Submission:

Labcorp Genetics (formerly Invitae), Labcorp
Classification: Uncertain significance for Hereditary spastic paraplegia 54. Last evaluated: 2021-06-24. Review status: criteria provided, single submitter. Criteria: Invitae Variant Classification Sherloc (09022015). Collection method: clinical testing. Allele origin: germline.
Comment: In summary, the available evidence is currently insufficient to determine the role of this variant in disease. Therefore, it has been classified as a Variant of Uncertain Significance. Algorithms developed to predict the effect of missense changes on protein structure and function are either unavailable or do not agree on the potential impact of this missense change (SIFT: "Deleterious"; PolyPhen-2: "Probably Damaging"; Align-GVGD: "Class C0"). This variant has not been reported in the literature in individuals with DDHD2-related conditions. This variant is not present in population databases (ExAC no frequency). This sequence change replaces leucine with phenylalanine at codon 93 of the DDHD2 protein (p.Leu93Phe). The leucine residue is moderately conserved and there is a small physicochemical difference between leucine and phenylalanine.

NM_015214.3(DDHD2):c.279G>T (p.Leu93Phe)

Gene: DDHD2 (DDHD domain containing 2; plus strand). Cytogenetic location: 8p11.23.
Variant type: single nucleotide variant.
Coding change: c.279G>T on transcript NM_015214.3 (MANE Select); coding-DNA position 279, G replaced by T.
Protein change: p.Leu93Phe; replaces leucine 93 with phenylalanine.
Molecular consequence: missense variant. On other transcripts: non-coding transcript variant (2).
Genome position (GRCh38, 1-based): chr8:38,234,452, G>T. VCF-style: chr8-38234452-G-T. GRCh37 (hg19) VCF-style: chr8-38091970-G-T.
Other names: c.279G>T, p.Leu93Phe (NM_001164232.2, NM_001164234.2, NM_001362911.2 and 3 more transcripts); short protein forms L93F.
Identifiers: ClinVar variation 1503106 (VCV001503106.8), dbSNP rs1003263082, ClinGen allele CA175109125.